The following is an entry in ClinVar:

ClinVar aggregate classification (germline): Uncertain significance (1 of 4 stars; one submission).

Allele frequency attached by ClinVar (database versions not stated): gnomAD exomes below 0.00001.
gnomAD v4.1: 1 of 1,613,314 alleles (0.000062%); highest among the groups gnomAD compares: Non-Finnish European, 0.000085%; no homozygotes.

Submission:

Labcorp Genetics (formerly Invitae), Labcorp
Classification: Uncertain significance. Last evaluated: 2023-09-24. Review status: criteria provided, single submitter. Criteria: Invitae Variant Classification Sherloc (09022015). Collection method: clinical testing. Allele origin: germline.
Comment: In summary, the available evidence is currently insufficient to determine the role of this variant in disease. Therefore, it has been classified as a Variant of Uncertain Significance. Advanced modeling of protein sequence and biophysical properties (such as structural, functional, and spatial information, amino acid conservation, physicochemical variation, residue mobility, and thermodynamic stability) performed at Invitae indicates that this missense variant is not expected to disrupt LZTS1 protein function. This variant has not been reported in the literature in individuals affected with LZTS1-related conditions. This variant is not present in population databases (gnomAD no frequency). This sequence change replaces histidine, which is basic and polar, with tyrosine, which is neutral and polar, at codon 185 of the LZTS1 protein (p.His185Tyr).

NM_021020.5(LZTS1):c.553C>T (p.His185Tyr)

Gene: LZTS1 (leucine zipper tumor suppressor 1; minus strand). Cytogenetic location: 8p21.3.
Variant type: single nucleotide variant.
Coding change: c.553C>T on transcript NM_021020.5 (MANE Select); coding-DNA position 553, C replaced by T.
Protein change: p.His185Tyr; replaces histidine 185 with tyrosine.
Molecular consequence: missense variant.
Genome position (GRCh38, 1-based): chr8:20,253,378, G>A on the plus strand (C>T on the coding strand, the complement: LZTS1 is on the minus strand). VCF-style: chr8-20253378-G-A. GRCh37 (hg19) VCF-style: chr8-20110889-G-A.
Other names: c.553C>T, p.His185Tyr (NM_001362884.2); short protein forms H185Y.
Identifiers: ClinVar variation 3001322 (VCV003001322.3), dbSNP rs2486313973, ClinGen allele CA370478032.